The following is an entry in ClinVar:

ClinVar aggregate classification (germline): Uncertain significance (1 of 4 stars; one submission).

Conditions:
Cardiovascular phenotype. Identifiers: MedGen CN230736.

Submission:

Ambry Genetics
Classification: Uncertain significance for Cardiovascular phenotype. Last evaluated: 2025-10-14. Review status: criteria provided, single submitter. Criteria: Ambry Variant Classification Scheme 2023. Collection method: clinical testing. Allele origin: germline.
Comment: The p.E1379K variant (also known as c.4135G>A), located in coding exon 31 of the RYR2 gene, results from a G to A substitution at nucleotide position 4135. The glutamic acid at codon 1379 is replaced by lysine, an amino acid with similar properties. This amino acid position is highly conserved in available vertebrate species. In addition, this alteration is predicted to be deleterious by in silico analysis. Based on the available evidence, the clinical significance of this variant remains unclear.

NM_001035.3(RYR2):c.4135G>A (p.Glu1379Lys)

Genes: RYR2 (ryanodine receptor 2; plus strand), LOC126806067 (BRD4-independent group 4 enhancer GRCh37_chr1:237753258-237754457; plus strand). Cytogenetic location: 1q43.
Variant type: single nucleotide variant.
Coding change: c.4135G>A on transcript NM_001035.3 (MANE Select); coding-DNA position 4135, G replaced by A.
Protein change: p.Glu1379Lys; replaces glutamic acid 1379 with lysine.
Molecular consequence: missense variant.
Genome position (GRCh38, 1-based): chr1:237,590,967, G>A. VCF-style: chr1-237590967-G-A. GRCh37 (hg19) VCF-style: chr1-237754267-G-A.
Other names: short protein forms E1379K.
Identifiers: ClinVar variation 4614854 (VCV004614854.1).